The following is an entry in ClinVar:

ClinVar aggregate classification (germline): Benign. Review status: criteria provided, multiple submitters, no conflicts (2 of 4 stars). 2 submissions from 2 submitters: Benign (2). Last evaluated 2018-06-18.

Allele frequency attached by ClinVar (database versions not stated): gnomAD 0.77193 and 0.77761; TOPMed 0.78646; 1000 Genomes Project 30x 0.87164; 1000 Genomes Project 0.87560.
gnomAD v4.1: 118,013 of 152,092 alleles (78%); highest among the groups gnomAD compares: East Asian, 99%; 46,841 homozygotes.

Submissions (2):

GeneDx
Classification: Benign. Last evaluated: 2018-06-18. Review status: criteria provided, single submitter. Criteria: GeneDx Variant Classification (06012015). Collection method: clinical testing. Allele origin: germline. Affected: yes.
Comment: This variant is considered likely benign or benign based on one or more of the following criteria: it is a conservative change, it occurs at a poorly conserved position in the protein, it is predicted to be benign by multiple in silico algorithms, and/or has population frequency not consistent with disease.

Breakthrough Genomics
Classification: Benign. Review status: criteria provided, single submitter. Criteria: ACMG Guidelines, 2015. Collection method: not provided. Allele origin: germline. Inheritance: Autosomal dominant inheritance. Affected: yes.

NM_000069.3(CACNA1S):c.3954-303A>C

Gene: CACNA1S (calcium voltage-gated channel subunit alpha1 S; minus strand). Cytogenetic location: 1q32.1.
Variant type: single nucleotide variant.
Coding change: c.3954-303A>C on transcript NM_000069.3 (MANE Select); 303 bases into the intron before coding-DNA position 3954, A replaced by C.
Molecular consequence: intron variant.
Genome position (GRCh38, 1-based): chr1:201,051,446, T>G on the plus strand (A>C on the coding strand, the complement: CACNA1S is on the minus strand). VCF-style: chr1-201051446-T-G. GRCh37 (hg19) VCF-style: chr1-201020574-T-G.
Identifiers: ClinVar variation 668057 (VCV000668057.2), dbSNP rs3861928, ClinGen allele CA15108718.